The following is an entry in ClinVar:

NM_080701.4(TREX2):c.541C>A (p.Arg181=)

Gene: TREX2 (three prime repair exonuclease 2; minus strand). Cytogenetic location: Xq28.
Variant type: single nucleotide variant.
Coding change: c.541C>A on transcript NM_080701.4 (MANE Select); coding-DNA position 541, C replaced by A.
Protein change: p.Arg181=; no amino-acid change (arginine 181 retained).
Molecular consequence: synonymous variant.
Genome position (GRCh38, 1-based): chrX:153,444,890, G>T on the plus strand (C>A on the coding strand, the complement: TREX2 is on the minus strand). VCF-style: chrX-153444890-G-T. GRCh37 (hg19) VCF-style: chrX-152710348-G-T.
Other names: c.541C>A, p.Arg181= (NM_007205.3).
Identifiers: ClinVar variation 2661687 (VCV002661687.24), dbSNP rs141205509, ClinGen allele CA519342679.

ClinVar aggregate classification (germline): Likely benign (1 of 4 stars; one submission).

Submission:

CeGaT Center for Human Genetics Tuebingen
Classification: Likely benign. Last evaluated: 2022-09-01. Review status: criteria provided, single submitter. Criteria: CeGaT Center For Human Genetics Tuebingen Variant Classification Criteria Version 2. Collection method: clinical testing. Allele origin: germline. Affected: yes. Observed: 1 variant allele.
Comment: TREX2: BP4, BP7